The following is an entry in ClinVar:

ClinVar aggregate classification (germline): Uncertain significance. Review status: criteria provided, multiple submitters, no conflicts (2 of 4 stars). 3 submissions from 3 submitters: Uncertain significance (3). Last evaluated 2025-07-12.

Conditions:
RYR1-related disorder. Also called: RYR1-related disorders; RYR1-related condition. Identifiers: MedGen CN239331.
Central core myopathy (CMYO1A). Also called: CONGENITAL MYOPATHY 1A, AUTOSOMAL DOMINANT, WITH SUSCEPTIBILITY TO MALIGNANT HYPERTHERMIA; Central core disease; Myopathy, central fibrillar. Identifiers: Orphanet 597, MedGen C5830701, MONDO:0007294, OMIM 117000.
Congenital multicore myopathy with external ophthalmoplegia (CMYO1B). Also called: MULTICORE MYOPATHY; Minicore myopathy with external ophthalmoplegia; MULTIMINICORE DISEASE WITH EXTERNAL OPHTHALMOPLEGIA; Congenital myopathy 1B, autosomal recessive; Minicore myopathy. Identifiers: Orphanet 598, Orphanet 98905, MedGen C1850674, MONDO:0009712, OMIM 255320, HP:0003789.
King Denborough syndrome (KDS). Identifiers: MedGen C1840365, MONDO:0020485, OMIM 619542.
Malignant hyperthermia, susceptibility to, 1 (MHS1). Also called: RYR1-Related Malignant Hyperthermia Susceptibility; Malignant hyperthermia suceptibility 1; Anesthesia related hyperthermia; Malignant hyperpyrexia; Fulminating hyperpyrexia; Pharmacogenic myopathy. Identifiers: Orphanet 423, MedGen C2930980, MONDO:0007783, OMIM 145600.

Allele frequency attached by ClinVar (database versions not stated): gnomAD exomes below 0.00001.
gnomAD v4.1: 3 of 1,614,238 alleles (0.00019%); highest among the groups gnomAD compares: Non-Finnish European, 0.00025%; no homozygotes.

Submissions (3):

GeneDx
Classification: Uncertain significance. Last evaluated: 2025-07-12. Review status: criteria provided, single submitter. Criteria: GeneDx Variant Classification Process June 2021. Collection method: clinical testing. Allele origin: germline. Affected: yes.
Comment: Not observed at significant frequency in large population cohorts (gnomAD); In silico analysis supports that this missense variant has a deleterious effect on protein structure/function; Has not been previously published as pathogenic or benign to our knowledge; In silico analysis suggests this variant may impact gene splicing. In the absence of RNA/functional studies, the actual effect of this sequence change is unknown.

Labcorp Genetics (formerly Invitae), Labcorp
Classification: Uncertain significance for RYR1-related disorder. Last evaluated: 2021-09-01. Review status: criteria provided, single submitter. Criteria: Invitae Variant Classification Sherloc (09022015). Collection method: clinical testing. Allele origin: germline.
Comment: This sequence change replaces glutamic acid with lysine at codon 1098 of the RYR1 protein (p.Glu1098Lys). The glutamic acid residue is highly conserved and there is a small physicochemical difference between glutamic acid and lysine. This variant is not present in population databases (ExAC no frequency). This variant has not been reported in the literature in individuals affected with RYR1-related conditions. Algorithms developed to predict the effect of missense changes on protein structure and function are either unavailable or do not agree on the potential impact of this missense change (SIFT: "Deleterious"; PolyPhen-2: "Possibly Damaging"; Align-GVGD: "Class C0"). In summary, the available evidence is currently insufficient to determine the role of this variant in disease. Therefore, it has been classified as a Variant of Uncertain Significance.

Juno Genomics, Hangzhou Juno Genomics, Inc
Classification: Uncertain significance for Central core myopathy; Congenital multicore myopathy with external ophthalmoplegia; Malignant hyperthermia, susceptibility to, 1; King Denborough syndrome. Review status: criteria provided, single submitter. Criteria: ACMG Guidelines, 2015. Collection method: clinical testing. Allele origin: germline.
Comment: Missense variant in a gene that has a low rate of benign missense variation.;Multiple lines of computational evidence support a deleterious effect on the gene or gene product.;Absent from controls (or at extremely low frequency if recessive) in Genome Aggregation Database.

NM_000540.3(RYR1):c.3292G>A (p.Glu1098Lys)

Gene: RYR1 (ryanodine receptor 1; plus strand). Cytogenetic location: 19q13.2.
Variant type: single nucleotide variant.
Coding change: c.3292G>A on transcript NM_000540.3 (MANE Select); coding-DNA position 3292, G replaced by A.
Protein change: p.Glu1098Lys; replaces glutamic acid 1098 with lysine.
Molecular consequence: missense variant.
Genome position (GRCh38, 1-based): chr19:38,467,723, G>A. VCF-style: chr19-38467723-G-A. GRCh37 (hg19) VCF-style: chr19-38958363-G-A.
Other names: c.3292G>A, p.Glu1098Lys (NM_001042723.2); short protein forms E1098K.
Identifiers: ClinVar variation 856247 (VCV000856247.10), dbSNP rs1968184238, ClinGen allele CA405637243.